The following is an entry in ClinVar:

ClinVar aggregate classification (germline): Uncertain significance (1 of 4 stars; one submission).

Conditions:
Wilms tumor 1 (WT1). Also called: Wilms tumor, somatic. Identifiers: Orphanet 654, MedGen CN033288, MONDO:0008679, OMIM 194070.

Submission:

Labcorp Genetics (formerly Invitae), Labcorp
Classification: Uncertain significance for Wilms tumor 1. Last evaluated: 2024-05-25. Review status: criteria provided, single submitter. Criteria: Invitae Variant Classification Sherloc (09022015). Collection method: clinical testing. Allele origin: germline.
Comment: This sequence change replaces proline, which is neutral and non-polar, with leucine, which is neutral and non-polar, at codon 139 of the GPC3 protein (p.Pro139Leu). This variant is not present in population databases (gnomAD no frequency). This variant has not been reported in the literature in individuals affected with GPC3-related conditions. Advanced modeling of protein sequence and biophysical properties (such as structural, functional, and spatial information, amino acid conservation, physicochemical variation, residue mobility, and thermodynamic stability) performed at Invitae indicates that this missense variant is not expected to disrupt GPC3 protein function with a negative predictive value of 80%. In summary, the available evidence is currently insufficient to determine the role of this variant in disease. Therefore, it has been classified as a Variant of Uncertain Significance.

NM_004484.4(GPC3):c.416C>T (p.Pro139Leu)

Gene: GPC3 (glypican 3; minus strand). Cytogenetic location: Xq26.2.
Variant type: single nucleotide variant.
Coding change: c.416C>T on transcript NM_004484.4 (MANE Select); coding-DNA position 416, C replaced by T.
Protein change: p.Pro139Leu; replaces proline 139 with leucine.
Molecular consequence: missense variant.
Genome position (GRCh38, 1-based): chrX:133,754,098, G>A on the plus strand (C>T on the coding strand, the complement: GPC3 is on the minus strand). VCF-style: chrX-133754098-G-A. GRCh37 (hg19) VCF-style: chrX-132888125-G-A.
Other names: c.416C>T, p.Pro139Leu (NM_001164617.2); c.368C>T, p.Pro123Leu (NM_001164618.2); c.254C>T, p.Pro85Leu (NM_001164619.2); short protein forms P139L, P123L, P85L.
Identifiers: ClinVar variation 2727848 (VCV002727848.3), dbSNP rs2521358387, ClinGen allele CA414706685.